The following is an entry in ClinVar:

ClinVar aggregate classification (germline): Uncertain significance (1 of 4 stars; one submission).

Conditions:
Ehlers-Danlos syndrome, type 4 (EDSVASC). Also called: Ehlers-Danlos syndrome vascular type; Ehlers Danlos syndrome, ecchymotic type; Ehlers Danlos syndrome, arterial type; Ehlers Danlos syndrome, Sack-Barabas type; Ehlers-Danlos Syndrome Type IV. Identifiers: Orphanet 286, MedGen C0268338, MONDO:0017314, OMIM 130050.

Submission:

Labcorp Genetics (formerly Invitae), Labcorp
Classification: Uncertain significance for Ehlers-Danlos syndrome, type 4. Last evaluated: 2022-01-28. Review status: criteria provided, single submitter. Criteria: Invitae Variant Classification Sherloc (09022015). Collection method: clinical testing. Allele origin: germline.
Comment: In summary, the available evidence is currently insufficient to determine the role of this variant in disease. Therefore, it has been classified as a Variant of Uncertain Significance. Advanced modeling of protein sequence and biophysical properties (such as structural, functional, and spatial information, amino acid conservation, physicochemical variation, residue mobility, and thermodynamic stability) performed at Invitae indicates that this missense variant is not expected to disrupt COL3A1 protein function. This variant has not been reported in the literature in individuals affected with COL3A1-related conditions. This variant is not present in population databases (gnomAD no frequency). This sequence change replaces arginine, which is basic and polar, with proline, which is neutral and non-polar, at codon 1166 of the COL3A1 protein (p.Arg1166Pro).

NM_000090.4(COL3A1):c.3497G>C (p.Arg1166Pro)

Gene: COL3A1 (collagen type III alpha 1 chain; plus strand). Cytogenetic location: 2q32.2.
Variant type: single nucleotide variant.
Coding change: c.3497G>C on transcript NM_000090.4 (MANE Select); coding-DNA position 3497, G replaced by C.
Protein change: p.Arg1166Pro; replaces arginine 1166 with proline.
Molecular consequence: missense variant.
Genome position (GRCh38, 1-based): chr2:189,008,114, G>C. VCF-style: chr2-189008114-G-C. GRCh37 (hg19) VCF-style: chr2-189872840-G-C.
Other names: short protein forms R1166P.
Identifiers: ClinVar variation 2090958 (VCV002090958.4), dbSNP rs369494336, ClinGen allele CA349846511.